The following is an entry in ClinVar:

NM_001458.5(FLNC):c.1135T>G (p.Ser379Ala)

Gene: FLNC (filamin C; plus strand). Cytogenetic location: 7q32.1.
Variant type: single nucleotide variant.
Coding change: c.1135T>G on transcript NM_001458.5 (MANE Select); coding-DNA position 1135, T replaced by G.
Protein change: p.Ser379Ala; replaces serine 379 with alanine.
Molecular consequence: missense variant.
Genome position (GRCh38, 1-based): chr7:128,838,354, T>G. VCF-style: chr7-128838354-T-G. GRCh37 (hg19) VCF-style: chr7-128478408-T-G.
Other names: c.1135T>G, p.Ser379Ala (NM_001127487.2); short protein forms S379A.
Identifiers: ClinVar variation 1017028 (VCV001017028.7), dbSNP rs746992457, ClinGen allele CA369223775.

ClinVar aggregate classification (germline): Uncertain significance (1 of 4 stars; one submission).

Conditions:
Hypertrophic cardiomyopathy 26. Also called: Cardiomyopathy, familial hypertrophic, 26. Identifiers: Orphanet 75249, MedGen C4310749, MONDO:0014883, OMIM 617047.
Dilated Cardiomyopathy, Dominant.
Myofibrillar myopathy 5. Also called: FILAMINOPATHY, AUTOSOMAL DOMINANT; Filaminopathy (type). Identifiers: Orphanet 171445, MedGen C1836050, MONDO:0012289, OMIM 609524.
Distal myopathy with posterior leg and anterior hand involvement. Also called: WILLIAMS DISTAL MYOPATHY. Identifiers: Orphanet 63273, MedGen C3279722, MONDO:0013550, OMIM 614065.

gnomAD v4.1: 5 of 1,614,030 alleles (0.00031%); highest among the groups gnomAD compares: Non-Finnish European, 0.00042%; no homozygotes.

Submission:

Labcorp Genetics (formerly Invitae), Labcorp
Classification: Uncertain significance for Distal myopathy with posterior leg and anterior hand involvement; Myofibrillar myopathy 5; Hypertrophic cardiomyopathy 26. Last evaluated: 2020-05-20. Review status: criteria provided, single submitter. Criteria: Invitae Variant Classification Sherloc (09022015). Collection method: clinical testing. Allele origin: germline.
Comment: In summary, the available evidence is currently insufficient to determine the role of this variant in disease. Therefore, it has been classified as a Variant of Uncertain Significance. Algorithms developed to predict the effect of missense changes on protein structure and function (SIFT, PolyPhen-2, Align-GVGD) all suggest that this variant is likely to be tolerated, but these predictions have not been confirmed by published functional studies and their clinical significance is uncertain. This variant has not been reported in the literature in individuals with FLNC-related conditions. This variant is not present in population databases (ExAC no frequency). This sequence change replaces serine with alanine at codon 379 of the FLNC protein (p.Ser379Ala). The serine residue is weakly conserved and there is a moderate physicochemical difference between serine and alanine.